The following is an entry in ClinVar:

ClinVar aggregate classification (germline): Uncertain significance (1 of 4 stars; one submission).

Allele frequency attached by ClinVar (database versions not stated): gnomAD exomes below 0.00001; TOPMed below 0.00001; ExAC 0.00001; gnomAD 0.00001.
gnomAD v4.1: 2 of 1,613,300 alleles (0.00012%); highest among the groups gnomAD compares: Non-Finnish European, 0.00017%; no homozygotes.

Submission:

Labcorp Genetics (formerly Invitae), Labcorp
Classification: Uncertain significance. Last evaluated: 2023-05-03. Review status: criteria provided, single submitter. Criteria: Invitae Variant Classification Sherloc (09022015). Collection method: clinical testing. Allele origin: germline.
Comment: This sequence change replaces glutamine, which is neutral and polar, with glutamic acid, which is acidic and polar, at codon 132 of the FGF9 protein (p.Gln132Glu). This variant is not present in population databases (gnomAD no frequency). This variant has not been reported in the literature in individuals affected with FGF9-related conditions. ClinVar contains an entry for this variant (Variation ID: 1922628). An algorithm developed to predict the effect of missense changes on protein structure and function (PolyPhen-2) suggests that this variant is likely to be tolerated. In summary, the available evidence is currently insufficient to determine the role of this variant in disease. Therefore, it has been classified as a Variant of Uncertain Significance.

NM_002010.3(FGF9):c.394C>G (p.Gln132Glu)

Gene: FGF9 (fibroblast growth factor 9; plus strand). Cytogenetic location: 13q12.11.
Variant type: single nucleotide variant.
Coding change: c.394C>G on transcript NM_002010.3 (MANE Select); coding-DNA position 394, C replaced by G.
Protein change: p.Gln132Glu; replaces glutamine 132 with glutamic acid.
Molecular consequence: missense variant.
Genome position (GRCh38, 1-based): chr13:21,701,202, C>G. VCF-style: chr13-21701202-C-G. GRCh37 (hg19) VCF-style: chr13-22275341-C-G.
Other names: short protein forms Q132E.
Identifiers: ClinVar variation 1922628 (VCV001922628.5), dbSNP rs267603777, ClinGen allele CA6909489.
Genomic context (GRCh38, chr13:21,701,202, plus strand): 5'-ATGCATTAGCTATTTTTCCTAATGCTCTCCCTCTTTTTCTTTTTACAGGAAAAACTAACC[C>G]AAGAGTGTGTATTCAGAGAACAGTTCGAAGAAAACTGGTATAATACGTACTCATCAAACC-3'
Protein context (NP_002001.1, residues 122-142): GELYGSEKLT[Gln132Glu]ECVFREQFEE